The following is an entry in ClinVar:

ClinVar aggregate classification (germline): Uncertain significance (1 of 4 stars; one submission).

Allele frequency attached by ClinVar (database versions not stated): gnomAD 0.00002; gnomAD exomes 0.00002; TOPMed 0.00002; ExAC 0.00005; ESP Exome Variant Server 0.00022.
gnomAD v4.1: 12 of 1,551,512 alleles (0.00077%); highest among the groups gnomAD compares: Non-Finnish European, 0.001%; no homozygotes.

Submission:

CeGaT Center for Human Genetics Tuebingen
Classification: Uncertain significance. Last evaluated: 2024-03-01. Review status: criteria provided, single submitter. Criteria: CeGaT Center For Human Genetics Tuebingen Variant Classification Criteria Version 2. Collection method: clinical testing. Allele origin: germline. Affected: yes. Observed: 1 variant allele.
Comment: TET2: PM2, BP4

NM_001127208.3(TET2):c.4328C>T (p.Ala1443Val)

Genes: TET2 (tet methylcytosine dioxygenase 2; plus strand), TET2-AS1 (TET2 antisense RNA 1; minus strand). Cytogenetic location: 4q24.
Variant type: single nucleotide variant.
Coding change: c.4328C>T on transcript NM_001127208.3 (MANE Select); coding-DNA position 4328, C replaced by T.
Protein change: p.Ala1443Val; replaces alanine 1443 with valine.
Molecular consequence: missense variant.
Genome position (GRCh38, 1-based): chr4:105,272,709, C>T. VCF-style: chr4-105272709-C-T. GRCh37 (hg19) VCF-style: chr4-106193866-C-T.
Other names: short protein forms A1443V.
Identifiers: ClinVar variation 3234431 (VCV003234431.20), dbSNP rs373516434, ClinGen allele CA3032196.
Genomic context (GRCh38, chr4:105,272,709, plus strand): 5'-TCTCTGACGTGGATGAGTTTGGGAGTGTGGAAGCTCAGGAGGAGAAAAAACGGAGTGGTG[C>T]CATTCAGGTACTGAGTTCTTTTCGGCGAAAAGTCAGGATGTTAGCAGAGCCAGTCAAGAC-3'
Protein context (NP_001120680.1, residues 1433-1453): EAQEEKKRSG[Ala1443Val]IQVLSSFRRK